The following is an entry in ClinVar:

NM_001029.5(RPS26):c.82C>G (p.Arg28Gly)

Gene: RPS26 (ribosomal protein S26; plus strand). Cytogenetic location: 12q13.2.
Variant type: single nucleotide variant.
Coding change: c.82C>G on transcript NM_001029.5 (MANE Select); coding-DNA position 82, C replaced by G.
Protein change: p.Arg28Gly; replaces arginine 28 with glycine.
Molecular consequence: missense variant.
Genome position (GRCh38, 1-based): chr12:56,042,503, C>G. VCF-style: chr12-56042503-C-G. GRCh37 (hg19) VCF-style: chr12-56436287-C-G.
Other names: short protein forms R28G.
Identifiers: ClinVar variation 4808514 (VCV004808514.1).
Genomic context (GRCh38, chr12:56,042,503, plus strand): 5'-AATGGTCGTGCCAAAAAGGGCCGCGGCCACGTGCAGCCTATTCGCTGCACTAACTGTGCC[C>G]GATGCGTGCCCAAGGACAAGGCCATTAAGAAATTCGTCATTCGAAACATAGTGGAGGCCG-3'
Protein context (NP_001020.2, residues 18-38): VQPIRCTNCA[Arg28Gly]CVPKDKAIKK

ClinVar aggregate classification (germline): Uncertain significance (1 of 4 stars; one submission).

Conditions:
Diamond-Blackfan anemia 10 (DBA10). Also called: RPS26-Related Diamond-Blackfan Anemia. Identifiers: Orphanet 124, MedGen C2750080, MONDO:0013217, OMIM 613309.

gnomAD v4.1: 56 of 1,602,730 alleles (0.0035%); highest among the groups gnomAD compares: Non-Finnish European, 0.0048%; no homozygotes.

Submission:

Labcorp Genetics (formerly Invitae), Labcorp
Classification: Uncertain significance for Diamond-Blackfan anemia 10. Last evaluated: 2026-01-22. Review status: criteria provided, single submitter. Criteria: Invitae Variant Classification Sherloc (09022015). Collection method: clinical testing. Allele origin: germline.
Comment: This sequence change replaces arginine, which is basic and polar, with glycine, which is neutral and non-polar, at codon 28 of the RPS26 protein (p.Arg28Gly). This variant is present in population databases (rs142032466, gnomAD 0.004%). This variant has not been reported in the literature in individuals affected with RPS26-related conditions. An algorithm developed to predict the effect of missense changes on protein structure and function (PolyPhen-2) suggests that this variant is likely to be tolerated. In summary, the available evidence is currently insufficient to determine the role of this variant in disease. Therefore, it has been classified as a Variant of Uncertain Significance.